The following is an entry in ClinVar:

NM_012398.3(PIP5K1C):c.1279C>T (p.Arg427Cys)

Gene: PIP5K1C (phosphatidylinositol-4-phosphate 5-kinase type 1 gamma; minus strand). Cytogenetic location: 19p13.3.
Variant type: single nucleotide variant.
Coding change: c.1279C>T on transcript NM_012398.3 (MANE Select); coding-DNA position 1279, C replaced by T.
Protein change: p.Arg427Cys; replaces arginine 427 with cysteine.
Molecular consequence: missense variant.
Genome position (GRCh38, 1-based): chr19:3,646,040, G>A on the plus strand (C>T on the coding strand, the complement: PIP5K1C is on the minus strand). VCF-style: chr19-3646040-G-A. GRCh37 (hg19) VCF-style: chr19-3646038-G-A.
Other names: c.1279C>T, p.Arg427Cys (NM_001195733.2, NM_001300849.2); short protein forms R427C.
Identifiers: ClinVar variation 4627688 (VCV004627688.1).

ClinVar aggregate classification (germline): Uncertain significance (1 of 4 stars; one submission).

Conditions:
Inborn genetic diseases. Identifiers: MedGen C0950123, MeSH D030342.

gnomAD v4.1: 7 of 1,612,842 alleles (0.00043%); highest among the groups gnomAD compares: Non-Finnish European, 0.00059%; no homozygotes.

Submission:

Ambry Genetics
Classification: Uncertain significance for Inborn genetic diseases. Last evaluated: 2025-12-09. Review status: criteria provided, single submitter. Criteria: Ambry Variant Classification Scheme 2023. Collection method: clinical testing. Allele origin: germline.
Comment: The c.1279C>T (p.R427C) alteration is located in exon 11 (coding exon 11) of the PIP5K1C gene. This alteration results from a C to T substitution at nucleotide position 1279, causing the arginine (R) at amino acid position 427 to be replaced by a cysteine (C). Based on data from gnomAD, the T allele has an overall frequency of <0.001% (1/250588) total alleles studied. The highest observed frequency was 0.001% (1/113042) of European (non-Finnish) alleles. Based on insufficient or conflicting evidence, the clinical significance of this alteration remains unclear.